The following is an entry in ClinVar:

NM_004830.4(MED23):c.2149C>G (p.Gln717Glu)

Gene: MED23 (mediator complex subunit 23; minus strand). Cytogenetic location: 6q23.2.
Variant type: single nucleotide variant.
Coding change: c.2149C>G on transcript NM_004830.4 (MANE Select); coding-DNA position 2149, C replaced by G.
Protein change: p.Gln717Glu; replaces glutamine 717 with glutamic acid.
Molecular consequence: missense variant.
Genome position (GRCh38, 1-based): chr6:131,600,109, G>C on the plus strand (C>G on the coding strand, the complement: MED23 is on the minus strand). VCF-style: chr6-131600109-G-C. GRCh37 (hg19) VCF-style: chr6-131921249-G-C.
Other names: c.2149C>G, p.Gln717Glu (NM_001270521.2, NM_001270522.2); c.2167C>G, p.Gln723Glu (NM_015979.4); short protein forms Q723E, Q717E.
Identifiers: ClinVar variation 589597 (VCV000589597.5), dbSNP rs1562380913, ClinGen allele CA365670129.

ClinVar aggregate classification (germline): Uncertain significance (1 of 4 stars; one submission).

Conditions:
Inborn genetic diseases. Identifiers: MedGen C0950123, MeSH D030342.

Submission:

Ambry Genetics
Classification: Uncertain significance for Inborn genetic diseases. Last evaluated: 2017-04-06. Review status: criteria provided, single submitter. Criteria: Ambry Variant Classification Scheme 2023. Collection method: clinical testing. Allele origin: germline.
Comment: The p.Q723E variant (also known as c.2167C>G), located in coding exon 19 of the MED23 gene, results from a C to G substitution at nucleotide position 2167. The glutamine at codon 723 is replaced by glutamic acid, an amino acid with highly similar properties. This amino acid position is highly conserved in available vertebrate species. In addition, the in silico prediction for this alteration is inconclusive. Since supporting evidence is limited at this time, the clinical significance of this alteration remains unclear.